The following is an entry in ClinVar:

NM_002335.4(LRP5):c.476A>G (p.Asp159Gly)

Gene: LRP5 (LDL receptor related protein 5; plus strand). Cytogenetic location: 11q13.2.
Variant type: single nucleotide variant.
Coding change: c.476A>G on transcript NM_002335.4 (MANE Select); coding-DNA position 476, A replaced by G.
Protein change: p.Asp159Gly; replaces aspartic acid 159 with glycine.
Molecular consequence: missense variant. On other transcripts: 5 prime UTR variant (1).
Genome position (GRCh38, 1-based): chr11:68,348,231, A>G. VCF-style: chr11-68348231-A-G. GRCh37 (hg19) VCF-style: chr11-68115699-A-G.
Other names: c.-1290A>G (NM_001291902.2); c.476A>G (NM_002335.2); short protein forms D159G.
Identifiers: ClinVar variation 1511512 (VCV001511512.7), dbSNP rs1340740883, ClinGen allele CA381610859.

ClinVar aggregate classification (germline): Uncertain significance. Review status: criteria provided, multiple submitters, no conflicts (2 of 4 stars). 2 submissions from 2 submitters: Uncertain significance (2). Last evaluated 2025-04-27.

Conditions:
Inborn genetic diseases. Identifiers: MedGen C0950123, MeSH D030342.

Allele frequency attached by ClinVar (database versions not stated): gnomAD 0.00002; TOPMed 0.00001; gnomAD exomes below 0.00001.
gnomAD v4.1: 5 of 1,605,776 alleles (0.00031%); highest among the groups gnomAD compares: Non-Finnish European, 0.00034%; no homozygotes.

Submissions (2):

Labcorp Genetics (formerly Invitae), Labcorp
Classification: Uncertain significance. Last evaluated: 2025-04-27. Review status: criteria provided, single submitter. Criteria: Invitae Variant Classification Sherloc (09022015). Collection method: clinical testing. Allele origin: germline.
Comment: This sequence change replaces aspartic acid, which is acidic and polar, with glycine, which is neutral and non-polar, at codon 159 of the LRP5 protein (p.Asp159Gly). This variant is present in population databases (no rsID available, gnomAD 0.007%). This variant has not been reported in the literature in individuals affected with LRP5-related conditions. ClinVar contains an entry for this variant (Variation ID: 1511512). Invitae Evidence Modeling of protein sequence and biophysical properties (such as structural, functional, and spatial information, amino acid conservation, physicochemical variation, residue mobility, and thermodynamic stability) indicates that this missense variant is expected to disrupt LRP5 protein function with a positive predictive value of 95%. In summary, the available evidence is currently insufficient to determine the role of this variant in disease. Therefore, it has been classified as a Variant of Uncertain Significance.

Ambry Genetics
Classification: Uncertain significance for Inborn genetic diseases. Last evaluated: 2024-06-22. Review status: criteria provided, single submitter. Criteria: Ambry Variant Classification Scheme 2023. Collection method: clinical testing. Allele origin: germline.